The following is an entry in ClinVar:

ClinVar aggregate classification (germline): Uncertain significance (1 of 4 stars; one submission).

Submission:

GeneDx
Classification: Uncertain significance. Last evaluated: 2023-07-23. Review status: criteria provided, single submitter. Criteria: GeneDx Variant Classification Process June 2021. Collection method: clinical testing. Allele origin: germline. Affected: yes.
Comment: Not observed at significant frequency in large population cohorts (gnomAD); In silico analysis supports that this missense variant has a deleterious effect on protein structure/function; Has not been previously published as pathogenic or benign to our knowledge

NM_024408.4(NOTCH2):c.2918G>T (p.Cys973Phe)

Gene: NOTCH2 (notch receptor 2; minus strand). Cytogenetic location: 1p12.
Variant type: single nucleotide variant.
Coding change: c.2918G>T on transcript NM_024408.4 (MANE Select); coding-DNA position 2918, G replaced by T.
Protein change: p.Cys973Phe; replaces cysteine 973 with phenylalanine.
Molecular consequence: missense variant.
Genome position (GRCh38, 1-based): chr1:119,941,589, C>A on the plus strand (G>T on the coding strand, the complement: NOTCH2 is on the minus strand). VCF-style: chr1-119941589-C-A. GRCh37 (hg19) VCF-style: chr1-120484212-C-A.
Other names: c.2918G>T, p.Cys973Phe (NM_001200001.2); short protein forms C973F.
Identifiers: ClinVar variation 3361419 (VCV003361419.1).